The following is an entry in ClinVar:

NM_024757.5(EHMT1):c.662C>T (p.Pro221Leu)

Gene: EHMT1 (euchromatic histone lysine methyltransferase 1; plus strand). Cytogenetic location: 9q34.3.
Variant type: single nucleotide variant.
Coding change: c.662C>T on transcript NM_024757.5 (MANE Select); coding-DNA position 662, C replaced by T.
Protein change: p.Pro221Leu; replaces proline 221 with leucine.
Molecular consequence: missense variant.
Genome position (GRCh38, 1-based): chr9:137,728,368, C>T. VCF-style: chr9-137728368-C-T. GRCh37 (hg19) VCF-style: chr9-140622820-C-T.
Other names: c.662C>T, p.Pro221Leu (NM_001145527.2, NM_001354263.2, NM_001354611.2); c.569C>T, p.Pro190Leu (NM_001354259.2, NM_001354612.2); short protein forms P221L, P190L.
Identifiers: ClinVar variation 3643401 (VCV003643401.2).
Genomic context (GRCh38, chr9:137,728,368, plus strand): 5'-TGCTTATGCAGTTATAGTTATTCACTGTCTTTGTTTTGAAGCATGCAGCCAGTAAAGATC[C>T]CAGAGAAGTTCGAGAAGCTAGAGATCATAAGGAACCAAAAGAGGAGATCAACAAAAACAT-3'
Protein context (NP_079033.4, residues 211-231): VVGLHAASKD[Pro221Leu]REVREARDHK

ClinVar aggregate classification (germline): Uncertain significance (1 of 4 stars; one submission).

Conditions:
Kleefstra syndrome 1 (KLEFS1). Identifiers: Orphanet 261494, MedGen C0795833, MONDO:0027407, OMIM 610253.

Submission:

Labcorp Genetics (formerly Invitae), Labcorp
Classification: Uncertain significance for Kleefstra syndrome 1. Last evaluated: 2024-07-29. Review status: criteria provided, single submitter. Criteria: Invitae Variant Classification Sherloc (09022015). Collection method: clinical testing. Allele origin: germline.
Comment: This sequence change replaces proline, which is neutral and non-polar, with leucine, which is neutral and non-polar, at codon 221 of the EHMT1 protein (p.Pro221Leu). This variant is not present in population databases (gnomAD no frequency). This variant has not been reported in the literature in individuals affected with EHMT1-related conditions. Advanced modeling of protein sequence and biophysical properties (such as structural, functional, and spatial information, amino acid conservation, physicochemical variation, residue mobility, and thermodynamic stability) performed at Invitae indicates that this missense variant is not expected to disrupt EHMT1 protein function with a negative predictive value of 80%. In summary, the available evidence is currently insufficient to determine the role of this variant in disease. Therefore, it has been classified as a Variant of Uncertain Significance.